The following is an entry in ClinVar:

ClinVar aggregate classification (germline): Uncertain significance. Review status: criteria provided, multiple submitters, no conflicts (2 of 4 stars). 2 submissions from 2 submitters: Uncertain significance (2). Last evaluated 2022-09-12.

Conditions:
Severe combined immunodeficiency due to DNA-PKcs deficiency. Also called: IMMUNODEFICIENCY 26 WITH NEUROLOGIC ABNORMALITIES; Immunodeficiency 26 with or without neurologic abnormalities. Identifiers: Orphanet 317425, MedGen C4014833, MONDO:0014423, OMIM 615966.

Allele frequency attached by ClinVar (database versions not stated): gnomAD exomes below 0.00001.
gnomAD v4.1: 5 of 1,394,008 alleles (0.00036%); highest among the groups gnomAD compares: Non-Finnish European, 0.00039%; no homozygotes.

Submissions (2):

Ambry Genetics
Classification: Uncertain significance. Last evaluated: 2022-09-12. Review status: criteria provided, single submitter. Criteria: Ambry Variant Classification Scheme 2023. Collection method: clinical testing. Allele origin: germline.
Comment: The p.F153L variant (also known as c.457T>C), located in coding exon 5 of the PRKDC gene, results from a T to C substitution at nucleotide position 457. The phenylalanine at codon 153 is replaced by leucine, an amino acid with highly similar properties. This amino acid position is conserved. In addition, this alteration is predicted to be tolerated by in silico analysis. Since supporting evidence is limited at this time, the clinical significance of this alteration remains unclear.

Labcorp Genetics (formerly Invitae), Labcorp
Classification: Uncertain significance for Severe combined immunodeficiency due to DNA-PKcs deficiency. Last evaluated: 2022-04-01. Review status: criteria provided, single submitter. Criteria: Invitae Variant Classification Sherloc (09022015). Collection method: clinical testing. Allele origin: germline.
Comment: This sequence change replaces phenylalanine, which is neutral and non-polar, with leucine, which is neutral and non-polar, at codon 153 of the PRKDC protein (p.Phe153Leu). This variant is not present in population databases (gnomAD no frequency). This variant has not been reported in the literature in individuals affected with PRKDC-related conditions. Experimental studies and prediction algorithms are not available or were not evaluated, and the functional significance of this variant is currently unknown. In summary, the available evidence is currently insufficient to determine the role of this variant in disease. Therefore, it has been classified as a Variant of Uncertain Significance.

NM_006904.7(PRKDC):c.457T>C (p.Phe153Leu)

Gene: PRKDC (protein kinase, DNA-activated, catalytic subunit; minus strand). Cytogenetic location: 8q11.21.
Variant type: single nucleotide variant.
Coding change: c.457T>C on transcript NM_006904.7 (MANE Select); coding-DNA position 457, T replaced by C.
Protein change: p.Phe153Leu; replaces phenylalanine 153 with leucine.
Molecular consequence: missense variant.
Genome position (GRCh38, 1-based): chr8:47,954,389, A>G on the plus strand (T>C on the coding strand, the complement: PRKDC is on the minus strand). VCF-style: chr8-47954389-A-G. GRCh37 (hg19) VCF-style: chr8-48866949-A-G.
Other names: c.457T>C, p.Phe153Leu (NM_001081640.2); short protein forms F153L.
Identifiers: ClinVar variation 1741638 (VCV001741638.7), dbSNP rs1263386156, ClinGen allele CA371139110.